The following is an entry in ClinVar:

NM_000021.4(PSEN1):c.498TAT[1] (p.Ile168del)

Gene: PSEN1 (presenilin 1; plus strand). Cytogenetic location: 14q24.2.
Variant type: Microsatellite.
Coding change: c.498TAT[1] on transcript NM_000021.4 (MANE Select); one copy of the 3-base unit TAT starting at c.498; the reference has two copies in a row; one copy, 3 bases deleted; also written c.501_503del.
Protein change: p.Ile168del; deletes isoleucine 168.
Molecular consequence: inframe deletion.
Genome position (GRCh38, 1-based): chr14:73,186,873-73,186,875, TAT deleted; deleting any 3 consecutive bases within chr14:73,186,869-73,186,875 gives the same sequence; the position shown is the placement nearest the transcript's 3' end. VCF-style (leftmost placement, unchanged base first): chr14-73186868-CTTA-C. GRCh37 (hg19) VCF-style: chr14-73653576-CTTA-C.
Other names: c.501_503del (NM_000021.4); c.486TAT[1], p.Ile164del (NM_007318.3); short protein forms I168del, I164del.
Identifiers: ClinVar variation 98039 (VCV000098039.2), dbSNP rs63750879, ClinGen allele CA225042.

ClinVar aggregate classification (germline): Likely pathogenic. Review status: criteria provided, single submitter (1 of 4 stars). 2 submissions from 2 submitters: Likely pathogenic (1). 1 of the submissions does not count toward it. Last evaluated 2026-06-03.

Conditions:
Early-onset autosomal dominant Alzheimer disease. Also called: Early-Onset Familial Alzheimer Disease. Identifiers: Orphanet 1020, MedGen CN043596, MONDO:0015140.

Submissions (2):

Clinical Genetics Laboratory, Skane University Hospital Lund
Classification: Likely pathogenic for Early-onset autosomal dominant Alzheimer disease. Last evaluated: 2026-06-03. Review status: criteria provided, single submitter. Criteria: ACMG Guidelines, 2015. Collection method: clinical testing. Allele origin: germline. Affected: yes.
Comment: PSEN1 (NM_000021.4) c.501_503del, p.(Ile168del) represents a three-base-pair deletion resulting in an in-frame deletion of a single amino acid. In the literature, this variant has been referred to as both I168del and I167del. The specific variant has previously been reported in two families with early-onset Alzheimer's disease (PMID: 24650724, 27777022). In PMID 24650724, the variant was shown to segregate with disease; The variant has not been identified in population databases. ALZFORUM classifies the variant as pathogenic. The variant has been classified as likely pathogenic according to the following ACMG criteria: PS4_Moderate, PM2, PM4, and PP1.

VIB  Department of Molecular Genetics, University of Antwerp
No classification provided. Review status: no classification provided. Collection method: not provided. Allele origin: not provided. Not counted in ClinVar's aggregate classification.

Literature cited by the submitters: PubMed 24650724 (cited by Clinical Genetics Laboratory, Skane University Hospital Lund); PubMed 27777022 (cited by Clinical Genetics Laboratory, Skane University Hospital Lund).